The following is an entry in ClinVar:

ClinVar aggregate classification (germline): Likely benign (1 of 4 stars; one submission).

Allele frequency attached by ClinVar (database versions not stated): gnomAD exomes 0.00001; ExAC 0.00002.
gnomAD v4.1: 3 of 1,614,236 alleles (0.00019%); highest among the groups gnomAD compares: Non-Finnish European, 0.00025%; no homozygotes.

Submission:

CeGaT Center for Human Genetics Tuebingen
Classification: Likely benign. Last evaluated: 2023-10-01. Review status: criteria provided, single submitter. Criteria: CeGaT Center For Human Genetics Tuebingen Variant Classification Criteria Version 2. Collection method: clinical testing. Allele origin: germline. Affected: yes. Observed: 1 variant allele.
Comment: ANK1: BP4, BP7

NM_000037.4(ANK1):c.5395-1222C>T

Gene: ANK1 (ankyrin 1; minus strand). Cytogenetic location: 8p11.21.
Variant type: single nucleotide variant.
Coding change: c.5395-1222C>T on transcript NM_000037.4 (MANE Select); 1222 bases into the intron before coding-DNA position 5395, C replaced by T.
Molecular consequence: intron variant. On other transcripts: synonymous variant (3).
Genome position (GRCh38, 1-based): chr8:41,664,964, G>A on the plus strand (C>T on the coding strand, the complement: ANK1 is on the minus strand). VCF-style: chr8-41664964-G-A. GRCh37 (hg19) VCF-style: chr8-41522482-G-A.
Other names: c.60C>T, p.Val20= (NM_001142445.2, NM_020478.5, NM_020480.5); c.5518-1222C>T (NM_001142446.2); c.4909-1222C>T (NM_020477.3); c.5395-1222C>T (NM_020475.3, NM_020476.3).
Identifiers: ClinVar variation 2658568 (VCV002658568.24), dbSNP rs747369392, ClinGen allele CA4727250.